The following is an entry in ClinVar:

ClinVar aggregate classification (germline): Likely pathogenic (1 of 4 stars; one submission).

Conditions:
Noonan syndrome 10 (NS10). Identifiers: Orphanet 648, MedGen C4225280, MONDO:0014693, OMIM 616564.

Submission:

Victorian Clinical Genetics Services, Murdoch Childrens Research Institute
Classification: Likely pathogenic for Noonan syndrome 10. Last evaluated: 2025-08-28. Review status: criteria provided, single submitter. Criteria: ACMG Guidelines, 2015. Collection method: clinical testing. Allele origin: germline. Affected: yes.
Comment: This variant is classified as Likely pathogenic. Evidence in support of pathogenic classification: In-frame insertion/deletion in a non-repetitive region that has high conservation; Variant is absent from gnomAD (v2, v3 and v4); Additional information: This variant is heterozygous; This gene is associated with both recessive and dominant disease. - This variant has no previous evidence of pathogenicity; No published segregation evidence has been identified for this variant; No published functional evidence has been identified for this variant; No comparable in-frame deletion variants have previous evidence for pathogenicity; Variant is located in the annotated KLHDC2/KLHL20/DRC7 Kelch-repeats domain (DECIPHER); Loss of function is a known mechanism of disease in this gene and is associated with autosomal recessive Noonan syndrome 2 (MIM#605275). Dominant negative is the mechanism suspected for autosomal dominant Noonan syndrome 10 (MIM#616564).

NM_006767.4(LZTR1):c.438GAA[1] (p.Lys147del)

Gene: LZTR1 (leucine zipper like post translational regulator 1; plus strand). Cytogenetic location: 22q11.21.
Variant type: Microsatellite.
Coding change: c.438GAA[1] on transcript NM_006767.4 (MANE Select); one copy of the 3-base unit GAA starting at c.438; the reference has two copies in a row; one copy, 3 bases deleted; also written c.441_443del.
Protein change: p.Lys147del; deletes lysine 147.
Molecular consequence: inframe deletion.
Genome position (GRCh38, 1-based): chr22:20,988,050-20,988,052, GAA deleted; deleting any 3 consecutive bases within chr22:20,988,047-20,988,052 gives the same sequence; the position shown is the placement nearest the transcript's 3' end. VCF-style (leftmost placement, unchanged base first): chr22-20988046-TGAA-T. GRCh37 (hg19) VCF-style: chr22-21342335-TGAA-T.
Other names: c.441_443del (NM_006767.4); short protein forms K147del.
Identifiers: ClinVar variation 4531818 (VCV004531818.1).